The following is an entry in ClinVar:

ClinVar aggregate classification (germline): Uncertain significance (1 of 4 stars; one submission).

Conditions:
Hereditary cancer-predisposing syndrome. Also called: Hereditary neoplastic syndrome; Hereditary Cancer Syndrome; Tumor predisposition; Neoplastic Syndromes, Hereditary. Identifiers: Orphanet 140162, MedGen C0027672, MeSH D009386, MONDO:0015356.

Submission:

Labcorp Genetics (formerly Invitae), Labcorp
Classification: Uncertain significance for Hereditary cancer-predisposing syndrome. Last evaluated: 2022-06-22. Review status: criteria provided, single submitter. Criteria: Invitae Variant Classification Sherloc (09022015). Collection method: clinical testing. Allele origin: germline.
Comment: In summary, the available evidence is currently insufficient to determine the role of this variant in disease. Therefore, it has been classified as a Variant of Uncertain Significance. Algorithms developed to predict the effect of missense changes on protein structure and function (SIFT, PolyPhen-2, Align-GVGD) all suggest that this variant is likely to be tolerated. This variant has not been reported in the literature in individuals affected with RAD50-related conditions. This variant is not present in population databases (gnomAD no frequency). This sequence change replaces serine, which is neutral and polar, with alanine, which is neutral and non-polar, at codon 2 of the RAD50 protein (p.Ser2Ala).

NM_005732.4(RAD50):c.4T>G (p.Ser2Ala)

Gene: RAD50 (RAD50 double strand break repair protein; plus strand). Cytogenetic location: 5q31.1.
Variant type: single nucleotide variant.
Coding change: c.4T>G on transcript NM_005732.4 (MANE Select); coding-DNA position 4, T replaced by G.
Protein change: p.Ser2Ala; replaces serine 2 with alanine.
Molecular consequence: missense variant.
Genome position (GRCh38, 1-based): chr5:132,557,328, T>G. VCF-style: chr5-132557328-T-G. GRCh37 (hg19) VCF-style: chr5-131893020-T-G.
Other names: short protein forms S2A.
Identifiers: ClinVar variation 2001322 (VCV002001322.4), dbSNP rs1750018146, ClinGen allele CA360950650.